The following is an entry in ClinVar:

ClinVar aggregate classification (germline): Likely pathogenic (1 of 4 stars; one submission).

Conditions:
ALG6-congenital disorder of glycosylation 1C (CDG1C). Also called: CARBOHYDRATE-DEFICIENT GLYCOPROTEIN SYNDROME, TYPE I, WITH DEFICIENT GLYCOSYLATION OF DOLICHOL-LINKED OLIGOSACCHARIDE; CARBOHYDRATE-DEFICIENT GLYCOPROTEIN SYNDROME, TYPE V; Congenital disorder of glycosylation type 1C; Congenital disorder of glycosylation, type Ic; CDG Ic. Identifiers: Orphanet 79320, MedGen C2930997, MONDO:0011291, OMIM 603147.

Submission:

Labcorp Genetics (formerly Invitae), Labcorp
Classification: Likely pathogenic for ALG6-congenital disorder of glycosylation 1C. Last evaluated: 2024-04-06. Review status: criteria provided, single submitter. Criteria: Invitae Variant Classification Sherloc (09022015). Collection method: clinical testing. Allele origin: germline.
Comment: This sequence change affects a donor splice site in intron 7 of the ALG6 gene. It is expected to disrupt RNA splicing. Variants that disrupt the donor or acceptor splice site typically lead to a loss of protein function (PMID: 16199547), and loss-of-function variants in ALG6 are known to be pathogenic (PMID: 19862844). This variant is not present in population databases (gnomAD no frequency). This variant has not been reported in the literature in individuals affected with ALG6-related conditions. Algorithms developed to predict the effect of sequence changes on RNA splicing suggest that this variant may disrupt the consensus splice site. In summary, the currently available evidence indicates that the variant is pathogenic, but additional data are needed to prove that conclusively. Therefore, this variant has been classified as Likely Pathogenic.

Literature cited by the submitters: PubMed 16199547; PubMed 19862844.

NM_013339.4(ALG6):c.494+2T>C

Gene: ALG6 (ALG6 alpha-1,3-glucosyltransferase; plus strand). Cytogenetic location: 1p31.3.
Variant type: single nucleotide variant.
Coding change: c.494+2T>C on transcript NM_013339.4 (MANE Select); the canonical splice donor site of the intron after coding-DNA position 494, T replaced by C.
Molecular consequence: splice donor variant.
Genome position (GRCh38, 1-based): chr1:63,407,128, T>C. VCF-style: chr1-63407128-T-C. GRCh37 (hg19) VCF-style: chr1-63872799-T-C.
Identifiers: ClinVar variation 3680026 (VCV003680026.2).